The following is an entry in ClinVar:

ClinVar aggregate classification (germline): Likely benign (1 of 4 stars; one submission).

Conditions:
PHF3-related disorder. Also called: PHF3-related condition.

gnomAD v4.1: 84 of 1,613,124 alleles (0.0052%); highest among the groups gnomAD compares: African/African-American, 0.084%; no homozygotes.

Submission:

PreventionGenetics, part of Exact Sciences
Classification: Likely benign for PHF3-related condition. Last evaluated: 2025-07-30. Review status: criteria provided, single submitter. Criteria: ACMG Guidelines, 2015. Collection method: clinical testing. Allele origin: germline.
Comment: This variant is classified as likely benign based on ACMG/AMP sequence variant interpretation guidelines (Richards et al. 2015 PMID: 25741868, with internal and published modifications).

NM_001370348.2(PHF3):c.2274C>T (p.Gly758=)

Gene: PHF3 (PHD finger protein 3; plus strand). Cytogenetic location: 6q12.
Variant type: single nucleotide variant.
Coding change: c.2274C>T on transcript NM_001370348.2 (MANE Select); coding-DNA position 2274, C replaced by T.
Protein change: p.Gly758=; no amino-acid change (glycine 758 retained).
Molecular consequence: synonymous variant.
Genome position (GRCh38, 1-based): chr6:63,691,821, C>T. VCF-style: chr6-63691821-C-T. GRCh37 (hg19) VCF-style: chr6-64401711-C-T.
Other names: c.2010C>T, p.Gly670= (NM_001290259.2, NM_001370349.2); c.81C>T, p.Gly27= (NM_001370350.2); c.2274C>T, p.Gly758= (NM_015153.4).
Identifiers: ClinVar variation 4978141 (VCV004978141.1).
Genomic context (GRCh38, chr6:63,691,821, plus strand): 5'-TGATGACTGGTTTCATGGTGATTGTGTTGGGTTAAGTCTTTCTCAAGCACAGCAGATGGG[C>T]GAGGAAGACAAAGAATATGTCTGTGTAAAATGTTGTGCTGAAGAAGACAAAAAGACTGAA-3'
Protein context (NP_001357277.1, residues 748-768): GLSLSQAQQM[Gly758=]EEDKEYVCVK